The following is an entry in ClinVar:

ClinVar aggregate classification (germline): Likely pathogenic (1 of 4 stars; one submission).

Conditions:
Dilated cardiomyopathy 1G (CMD1G). Identifiers: Orphanet 154, MedGen C1858763, MONDO:0011400, OMIM 604145.
Autosomal recessive limb-girdle muscular dystrophy type 2J (LGMDR10). Also called: Limb-girdle muscular dystrophy, type 2J; MUSCULAR DYSTROPHY, LIMB-GIRDLE, AUTOSOMAL RECESSIVE 10. Identifiers: Orphanet 140922, MedGen C1837342, MONDO:0012127, OMIM 608807.

Submission:

Labcorp Genetics (formerly Invitae), Labcorp
Classification: Likely pathogenic for Dilated cardiomyopathy 1G; Autosomal recessive limb-girdle muscular dystrophy type 2J. Last evaluated: 2024-10-18. Review status: criteria provided, single submitter. Criteria: Invitae Variant Classification Sherloc (09022015). Collection method: clinical testing. Allele origin: germline.
Comment: This sequence change creates a premature translational stop signal (p.Gln6330Argfs*51) in the TTN gene. While this is not anticipated to result in nonsense mediated decay, it is expected to create a truncated TTN protein. This variant is not present in population databases (gnomAD no frequency). This variant has not been reported in the literature in individuals affected with TTN-related conditions. This variant is located in the I band of TTN (PMID: 25589632). Truncating variants in this region have been reported in individuals affected with autosomal recessive centronuclear myopathy (PMID: 23975875, internal data). Truncating variants in this region have also been identified in individuals affected with autosomal dominant dilated cardiomyopathy and/or cardio-related conditions (PMID: 27869827, 32964742, internal data). In summary, the currently available evidence indicates that the variant is pathogenic, but additional data are needed to prove that conclusively. Therefore, this variant has been classified as Likely Pathogenic.

Literature cited by the submitters: PubMed 25589632; PubMed 23975875; PubMed 27869827; PubMed 32964742.

NM_001267550.2(TTN):c.18989del (p.Gln6330fs)

Gene: TTN (titin; minus strand). Cytogenetic location: 2q31.2.
Variant type: Deletion.
Coding change: c.18989del on transcript NM_001267550.2 (MANE Select); coding-DNA position 18989, one base deleted (A; older notation c.18989delA).
Protein change: p.Gln6330fs; shifts the reading frame from glutamine 6330.
Molecular consequence: frameshift variant. On other transcripts: intron variant (3).
Genome position (GRCh38, 1-based): chr2:178,729,049, T deleted on the plus strand (A on the coding strand, the reverse complement: TTN is on the minus strand). VCF-style (leftmost placement, unchanged base first): chr2-178729048-CT-C. GRCh37 (hg19) VCF-style: chr2-179593775-CT-C.
Other names: c.18038del, p.Gln6013fs (NM_001256850.1); c.15257del, p.Gln5086fs (NM_133378.4); c.13282+9033del (NM_003319.4); c.13858+9033del (NM_133437.4); c.13657+9033del (NM_133432.3); short protein forms Q5086fs, Q6013fs, Q6330fs.
Identifiers: ClinVar variation 3748246 (VCV003748246.2).